The following is an entry in ClinVar:

ClinVar aggregate classification (germline): Benign (3 of 4 stars; one submission).

Conditions:
Breast-ovarian cancer, familial, susceptibility to, 2 (BROVCA2). Also called: BRCA2 Hereditary Breast and Ovarian Cancer. Identifiers: Orphanet 145, MedGen C2675520, MONDO:0012933, OMIM 612555. Disease mechanism: loss of function.

Allele frequency attached by ClinVar (database versions not stated): TOPMed 0.14480; gnomAD 0.15183 and 0.15594; 1000 Genomes Project 30x 0.15818; 1000 Genomes Project 0.16034.
gnomAD v4.1: 23,818 of 151,864 alleles (16%); highest among the groups gnomAD compares: South Asian, 23%; 2,352 homozygotes.

Submission:

Evidence-based Network for the Interpretation of Germline Mutant Alleles (ENIGMA)
Classification: Benign for Breast-ovarian cancer, familial 2. Last evaluated: 2015-01-12. Review status: reviewed by expert panel. Criteria: ENIGMA BRCA1/2 Classification Criteria (2015). Collection method: curation. Allele origin: germline.
Comment: Class 1 not pathogenic based on frequency >1% in an outbred sampleset. Frequency 0.229 (Asian), 0.01626 (African), 0.2111 (European), derived from 1000 genomes (2012-04-30).

NM_000059.4(BRCA2):c.9257-4322C>T

Gene: BRCA2 (BRCA2 DNA repair associated; plus strand). Cytogenetic location: 13q13.1.
Variant type: single nucleotide variant.
Coding change: c.9257-4322C>T on transcript NM_000059.4 (MANE Select); 4322 bases into the intron before coding-DNA position 9257, C replaced by T.
Molecular consequence: intron variant.
Genome position (GRCh38, 1-based): chr13:32,390,367, C>T. VCF-style: chr13-32390367-C-T. GRCh37 (hg19) VCF-style: chr13-32964504-C-T.
Other names: IVS 24-4322C>T.
Identifiers: ClinVar variation 209891 (VCV000209891.1), dbSNP rs9534367, ClinGen allele CA276859.